The following is an entry in ClinVar:

NM_001009944.3(PKD1):c.2098-10C>T

Gene: PKD1 (polycystin 1, transient receptor potential channel interacting; minus strand). Cytogenetic location: 16p13.3.
Variant type: single nucleotide variant.
Coding change: c.2098-10C>T on transcript NM_001009944.3 (MANE Select); 10 bases into the intron before coding-DNA position 2098, C replaced by T.
Molecular consequence: intron variant.
Genome position (GRCh38, 1-based): chr16:2,114,935, G>A on the plus strand (C>T on the coding strand, the complement: PKD1 is on the minus strand). VCF-style: chr16-2114935-G-A. GRCh37 (hg19) VCF-style: chr16-2164936-G-A.
Other names: c.2098-10C>T (NM_000296.4).
Identifiers: ClinVar variation 3047312 (VCV003047312.5), dbSNP rs561391461, ClinGen allele CA7833276.

ClinVar aggregate classification (germline): Likely benign. Review status: criteria provided, multiple submitters, no conflicts (2 of 4 stars). 4 submissions from 4 submitters: Likely benign (3). 1 of the submissions does not count toward it. Last evaluated 2025-11-11.

Conditions:
PKD1-related disorder. Also called: PKD1-related condition.
Polycystic kidney disease, adult type (PKD1). Also called: Polycystic Kidney Disease 1, Autosomal Dominant; Polycystic kidney disease 1; Polycystic kidney disease 1, severe; Polycystic Kidney, Autosomal Dominant; POLYCYSTIC KIDNEY DISEASE 1 WITH OR WITHOUT POLYCYSTIC LIVER DISEASE; POLYCYSTIC KIDNEY DISEASE, ADULT, TYPE I. Identifiers: MedGen C3149841, MONDO:0008263, OMIM 173900.

Allele frequency attached by ClinVar (database versions not stated): gnomAD exomes 0.00019; gnomAD 0.00022; TOPMed 0.00026; 1000 Genomes Project 0.00080; 1000 Genomes Project 30x 0.00109.
gnomAD v4.1: 302 of 1,529,476 alleles (0.02%); highest among the groups gnomAD compares: East Asian, 0.61%; 3 homozygotes.

Submissions (4):

Women's Health and Genetics/Laboratory Corporation of America, LabCorp
Classification: Likely benign. Last evaluated: 2025-11-11. Review status: criteria provided, single submitter. Criteria: LabCorp Variant Classification Summary - May 2015. Collection method: clinical testing. Allele origin: germline.
Comment: Variant summary: PKD1 c.2098-10C>T alters a non-conserved nucleotide located at a position not widely known to affect splicing. Consensus agreement among computation tools predict no significant impact on normal splicing. However, these predictions have yet to be confirmed by functional studies. The variant allele was found at a frequency of 0.00043 in 100368 control chromosomes. This frequency is not significantly higher than estimated for disease-causing variants in PKD1, allowing no conclusion about variant significance. To our knowledge, no occurrence of c.2098-10C>T in individuals affected with PKD1-related conditions and no experimental evidence demonstrating its impact on protein function have been reported. ClinVar contains an entry for this variant (Variation ID: 3047312). Based on the evidence outlined above, the variant was classified as likely benign.

Blueprint Genetics
Classification: Likely benign. Last evaluated: 2024-10-28. Review status: criteria provided, single submitter. Criteria: ACMG Guidelines, 2015. Collection method: clinical testing. Allele origin: germline.

Department of Pathology and Laboratory Medicine, Sinai Health System
Classification: Likely benign for Polycystic kidney disease, adult type. Last evaluated: 2024-03-19. Review status: criteria provided, single submitter. Criteria: ACMG Guidelines, 2015. Collection method: clinical testing. Allele origin: germline. Affected: yes.

PreventionGenetics, part of Exact Sciences
Classification: Likely benign for PKD1-related condition. Last evaluated: 2020-05-15. Review status: no assertion criteria provided. Collection method: clinical testing. Allele origin: germline. Not counted in ClinVar's aggregate classification.
Comment: This variant is classified as likely benign based on ACMG/AMP sequence variant interpretation guidelines (Richards et al. 2015 PMID: 25741868, with internal and published modifications).

Literature cited by the submitters: PubMed 22185115 (cited by Department of Pathology and Laboratory Medicine, Sinai Health System).